The following is an entry in ClinVar:

ClinVar aggregate classification (germline): Uncertain significance (1 of 4 stars; one submission).

gnomAD v4.1: 1 of 1,613,148 alleles (0.000062%); highest among the groups gnomAD compares: Non-Finnish European, 0.000085%; no homozygotes.

Submission:

Labcorp Genetics (formerly Invitae), Labcorp
Classification: Uncertain significance. Last evaluated: 2025-07-31. Review status: criteria provided, single submitter. Criteria: Invitae Variant Classification Sherloc (09022015). Collection method: clinical testing. Allele origin: germline.
Comment: This sequence change replaces glutamic acid, which is acidic and polar, with lysine, which is basic and polar, at codon 2987 of the ADGRV1 protein (p.Glu2987Lys). This variant is not present in population databases (gnomAD no frequency). This variant has not been reported in the literature in individuals affected with ADGRV1-related conditions. ClinVar contains an entry for this variant (Variation ID: 1425628). Invitae Evidence Modeling of protein sequence and biophysical properties (such as structural, functional, and spatial information, amino acid conservation, physicochemical variation, residue mobility, and thermodynamic stability) indicates that this missense variant is not expected to disrupt ADGRV1 protein function with a negative predictive value of 95%. In summary, the available evidence is currently insufficient to determine the role of this variant in disease. Therefore, it has been classified as a Variant of Uncertain Significance.

NM_032119.4(ADGRV1):c.8959G>A (p.Glu2987Lys)

Gene: ADGRV1 (adhesion G protein-coupled receptor V1; plus strand). Cytogenetic location: 5q14.3.
Variant type: single nucleotide variant.
Coding change: c.8959G>A on transcript NM_032119.4 (MANE Select); coding-DNA position 8959, G replaced by A.
Protein change: p.Glu2987Lys; replaces glutamic acid 2987 with lysine.
Molecular consequence: missense variant. On other transcripts: non-coding transcript variant (1).
Genome position (GRCh38, 1-based): chr5:90,711,239, G>A. VCF-style: chr5-90711239-G-A. GRCh37 (hg19) VCF-style: chr5-90007056-G-A.
Other names: short protein forms E2987K.
Identifiers: ClinVar variation 1425628 (VCV001425628.4), dbSNP rs2149716953, ClinGen allele CA360395751.
Genomic context (GRCh38, chr5:90,711,239, plus strand): 5'-TATAGGTTTGAAGTAAATGAAACCCATGGAAGTTTAACATTGGTAGCCCAGAGGAGCAGA[G>A]AACCTCTTGGCCATGTTTCCTTATTTGTGTATGCTCAGAATTTGGAAGCACAAGTGGGGC-3'
Protein context (NP_115495.3, residues 2977-2997): SLTLVAQRSR[Glu2987Lys]PLGHVSLFVY